The following is an entry in ClinVar:

ClinVar aggregate classification (germline): Benign (1 of 4 stars; one submission).

Conditions:
Holoprosencephaly 9 (HPE9). Also called: HOLOPROSENCEPHALY WITH MICROPHTHALMIA AND FIRST BRANCHIAL ARCH ANOMALIES; PITUITARY ANOMALIES WITH HOLOPROSENCEPHALY-LIKE FEATURES. Identifiers: Orphanet 2162, MedGen C1835819, MONDO:0012563, OMIM 610829.

Allele frequency attached by ClinVar (database versions not stated): 1000 Genomes Project 0.00280; 1000 Genomes Project 30x 0.00281; TOPMed 0.00572; gnomAD 0.00709 and 0.00724.

Submission:

Illumina Laboratory Services, Illumina
Classification: Benign for Holoprosencephaly 9. Last evaluated: 2018-01-12. Review status: criteria provided, single submitter. Criteria: ICSL Variant Classification Criteria 13 December 2019. Collection method: clinical testing. Allele origin: germline.
Comment: This variant was observed in the ICSL laboratory as part of a predisposition screen in an ostensibly healthy population. It had not been previously curated by ICSL or reported in the Human Gene Mutation Database (HGMD: prior to June 1st, 2018), and was therefore a candidate for classification through an automated scoring system. Utilizing variant allele frequency, disease prevalence and penetrance estimates, and inheritance mode, an automated score was calculated to assess if this variant is too frequent to cause the disease. Based on the score and internal cut-off values, a variant classified as benign is not then subjected to further curation. The score for this variant resulted in a classification of benign for this disease.

NM_001374353.1(GLI2):c.*1785A>G

Gene: GLI2 (GLI family zinc finger 2; plus strand). Cytogenetic location: 2q14.2.
Variant type: single nucleotide variant.
Coding change: c.*1785A>G on transcript NM_001374353.1 (MANE Select); 1785 bases downstream of the stop codon, A replaced by G.
Molecular consequence: 3 prime UTR variant.
Genome position (GRCh38, 1-based): chr2:120,992,460, A>G. VCF-style: chr2-120992460-A-G. GRCh37 (hg19) VCF-style: chr2-121750036-A-G.
Other names: c.*1785A>G (NM_001371271.1, NM_001374354.1, NM_005270.5).
Identifiers: ClinVar variation 331026 (VCV000331026.5), dbSNP rs150539352, ClinGen allele CA10612016.